The following is an entry in ClinVar:

NM_001083961.2(WDR62):c.2867+5G>T

Gene: WDR62 (WD repeat domain 62; plus strand). Cytogenetic location: 19q13.12.
Variant type: single nucleotide variant.
Coding change: c.2867+5G>T on transcript NM_001083961.2 (MANE Select); 5 bases into the intron after coding-DNA position 2867, G replaced by T.
Molecular consequence: intron variant.
Genome position (GRCh38, 1-based): chr19:36,100,880, G>T. VCF-style: chr19-36100880-G-T. GRCh37 (hg19) VCF-style: chr19-36591782-G-T.
Other names: c.2867+5G>T (NM_173636.5, NM_001411146.1); c.2852+5G>T (NM_001411145.1); c.2516+5G>T (NM_001411147.1).
Identifiers: ClinVar variation 4533364 (VCV004533364.1).

ClinVar aggregate classification (germline): Uncertain significance (1 of 4 stars; one submission).

Conditions:
Microcephaly 1, primary, autosomal recessive (MCPH1). Also called: PREMATURE CHROMOSOME CONDENSATION SYNDROME; PCC SYNDROME; PREMATURE CHROMOSOME CONDENSATION WITH MICROCEPHALY AND MENTAL RETARDATION. Identifiers: Orphanet 2512, MedGen C1855081, MONDO:0009617, OMIM 251200.

Submission:

Cologne Center for Genomics, Faculty of Medicine, University of Cologne
Classification: Uncertain significance for Microcephaly 1, primary, autosomal recessive. Last evaluated: 2025-11-26. Review status: criteria provided, single submitter. Criteria: ACMG Guidelines, 2015. Collection method: research. Allele origin: germline. Inheritance: Autosomal recessive inheritance. Affected: yes. Observed: 1 homozygote.
Comment: The variant is predicted to alter splicing by multiple in-silico tools, including MutationTaster, SpliceAI, Pangolin, NetGene2 Server, MaxEntScan, Human Splicing Finder, and RNA Splicer; however, it remains classified as a VUS according to ACMG guidelines.